The following is an entry in ClinVar:

GRCh38/hg38 22q11.21(chr22:20379205-21042239)x1

Genes: AIFM3 (AIF family member 3; plus strand), CRKL (CRK like proto-oncogene, adaptor protein; plus strand), KLHL22 (kelch like family member 22; minus strand), LINC01637 (long independently transcribed non-coding RNA 1637; plus strand), LRRC74BNL (LRRC74B N-terminal like; minus strand) and 57 more. Cytogenetic location: 22q11.21.
Variant type: copy number loss.
Change: copy number 1 (one copy instead of two) of chr22:20,379,205-21,042,239 (663.0 kb, GRCh38 coordinates, 1-based), cytogenetic band 22q11.21.
Identifiers: ClinVar variation 5038280 (VCV005038280.1).

ClinVar aggregate classification (germline): Likely pathogenic (1 of 4 stars; one submission).

Submission:

Clinical Genomics Laboratory, Laboratory for Precision Diagnostics, University of Washington
Classification: Likely pathogenic. Last evaluated: 2025-03-05. Review status: criteria provided, single submitter. Criteria: ACMG/ClinGen CNV Guidelines, 2019. Collection method: clinical testing. Allele origin: unknown. Affected: yes. Observed: 1 variant allele.
Comment: This interstitial deletion is approximately 663 kb in size and contains 14 protein-coding genes. This is a "central" deletion of 22q1.21 between between LCR22B and LCR22D. It does not include the critical region for 22q11.2 deletion syndrome (also known as DiGeorge syndrome and velocardiofacial syndrome). See PMID:26278718 for an extensive review of the clinical characteristics associated with 22q11.21 central deletions (LCR22 B/C-D deletions). The clinical features associated with these deletions are variable. Of 68 people with a central deletion, 24% had short stature or growth restriction, 20% had congenital heart defects, 24% had developmental delay, 25% had intellectual disability/learning problems, and 22% had language delays. Of the 22 patients in whom inheritance of the deletion was known, it was de novo in 8 (36%) and inherited in the remainder (64%). This deletion appears at low frequency in healthy control people (DGV nsv523162, nsv1056614; gnomAD DEL_22_181500). This, plus inheritance from unaffected parents, indicates that penetrance is not complete.

Literature cited by the submitters: PubMed 26278718; PubMed 33363922; PubMed 34221520; PubMed 36360320; PubMed 31543904.